The following is an entry in ClinVar:

ClinVar aggregate classification (germline): Uncertain significance (1 of 4 stars; one submission).

Conditions:
Cardiovascular phenotype. Identifiers: MedGen CN230736.

gnomAD v4.1: 2 of 1,549,648 alleles (0.00013%); highest among the groups gnomAD compares: East Asian, 0.0049%; no homozygotes.

Submission:

Ambry Genetics
Classification: Uncertain significance for Cardiovascular phenotype. Last evaluated: 2024-06-15. Review status: criteria provided, single submitter. Criteria: Ambry Variant Classification Scheme 2023. Collection method: clinical testing. Allele origin: germline.
Comment: The p.P2638L variant (also known as c.7913C>T), located in coding exon 2 of the ZNF469 gene, results from a C to T substitution at nucleotide position 7913. The proline at codon 2638 is replaced by leucine, an amino acid with similar properties. This amino acid position is conserved. In addition, this alteration is predicted to be tolerated by in silico analysis. Based on the available evidence, the clinical significance of this variant remains unclear.

NM_001367624.2(ZNF469):c.7997C>T (p.Pro2666Leu)

Gene: ZNF469 (zinc finger protein 469; plus strand). Cytogenetic location: 16q24.2.
Variant type: single nucleotide variant.
Coding change: c.7997C>T on transcript NM_001367624.2 (MANE Select); coding-DNA position 7997, C replaced by T.
Protein change: p.Pro2666Leu; replaces proline 2666 with leucine.
Molecular consequence: missense variant.
Genome position (GRCh38, 1-based): chr16:88,435,467, C>T. VCF-style: chr16-88435467-C-T. GRCh37 (hg19) VCF-style: chr16-88501875-C-T.
Other names: NM_001127464.1:c.7913C>T; short protein forms P2666L.
Identifiers: ClinVar variation 3258286 (VCV003258286.1).